The following is an entry in ClinVar:

NM_001134363.3(RBM20):c.1568G>A (p.Cys523Tyr)

Gene: RBM20 (RNA binding motif protein 20; plus strand). Cytogenetic location: 10q25.2.
Variant type: single nucleotide variant.
Coding change: c.1568G>A on transcript NM_001134363.3 (MANE Select); coding-DNA position 1568, G replaced by A.
Protein change: p.Cys523Tyr; replaces cysteine 523 with tyrosine.
Molecular consequence: missense variant.
Genome position (GRCh38, 1-based): chr10:110,797,548, G>A. VCF-style: chr10-110797548-G-A. GRCh37 (hg19) VCF-style: chr10-112557306-G-A.
Other names: short protein forms C523Y.
Identifiers: ClinVar variation 4151597 (VCV004151597.1).

ClinVar aggregate classification (germline): Uncertain significance (1 of 4 stars; one submission).

Conditions:
Cardiovascular phenotype. Identifiers: MedGen CN230736.

gnomAD v4.1: 1 of 1,551,600 alleles (0.000064%); highest among the groups gnomAD compares: Non-Finnish European, 0.000087%; no homozygotes.

Submission:

Ambry Genetics
Classification: Uncertain significance for Cardiovascular phenotype. Last evaluated: 2025-08-12. Review status: criteria provided, single submitter. Criteria: Ambry Variant Classification Scheme 2023. Collection method: clinical testing. Allele origin: germline.
Comment: The p.C523Y variant (also known as c.1568G>A), located in coding exon 6 of the RBM20 gene, results from a G to A substitution at nucleotide position 1568. The cysteine at codon 523 is replaced by tyrosine, an amino acid with highly dissimilar properties. This amino acid position is conserved. In addition, the in silico prediction for this alteration is inconclusive. Based on the available evidence, the clinical significance of this variant remains unclear.